The following is an entry in ClinVar:

NC_000005.10:g.87341292_87341296del

Genes: CCNH (cyclin H; minus strand), RASA1 (RAS p21 protein activator 1; plus strand). Cytogenetic location: 5q14.3.
Variant type: Deletion.
Molecular consequence: intron variant (on NM_001364075.2).
Genome position: GRCh38 VCF-style: chr5-87341288-AGGGCC-A. GRCh37 (hg19) VCF-style: chr5-86637105-AGGGCC-A.
Other names: c.934-28498_934-28494del (NM_001364075.2).
Identifiers: ClinVar variation 2693076 (VCV002693076.3), dbSNP rs2531225738, ClinGen allele CA2697546270.

ClinVar aggregate classification (germline): Pathogenic (1 of 4 stars; one submission).

Conditions:
Capillary malformation-arteriovenous malformation syndrome. Also called: Capillary malformation-arteriovenous malformation. Identifiers: Orphanet 137667, MedGen C1842180, MONDO:0012016.

Submission:

Labcorp Genetics (formerly Invitae), Labcorp
Classification: Pathogenic for Capillary malformation-arteriovenous malformation syndrome. Last evaluated: 2023-06-06. Review status: criteria provided, single submitter. Criteria: Invitae Variant Classification Sherloc (09022015). Collection method: clinical testing. Allele origin: germline.
Comment: For these reasons, this variant has been classified as Pathogenic. Algorithms developed to predict the effect of sequence changes on RNA splicing suggest that this variant may disrupt the consensus splice site. This variant has not been reported in the literature in individuals affected with RASA1-related conditions. This variant is not present in population databases (gnomAD no frequency). This sequence change creates a premature translational stop signal (p.Glu342Argfs*4) in the RASA1 gene. It is expected to result in an absent or disrupted protein product. Loss-of-function variants in RASA1 are known to be pathogenic (PMID: 24038909).

Literature cited by the submitters: PubMed 24038909.